The following is an entry in ClinVar:

ClinVar aggregate classification (germline): Pathogenic/Likely pathogenic. Review status: criteria provided, multiple submitters, no conflicts (2 of 4 stars). 9 submissions from 9 submitters: Pathogenic (7); Likely pathogenic (1). 1 of the submissions does not count toward it. Last evaluated 2025-06-06.

Conditions:
Deficiency of acetyl-CoA acetyltransferase. Also called: 3-KETOTHIOLASE DEFICIENCY; 3-OXOTHIOLASE DEFICIENCY; Beta-ketothiolase deficiency; MITOCHONDRIAL ACETOACETYL-CoA THIOLASE DEFICIENCY. Identifiers: Orphanet 134, MedGen C1536500, MONDO:0008760, OMIM 203750. Disease mechanism: loss of function.

Allele frequency attached by ClinVar (database versions not stated): gnomAD exomes 0.00001; gnomAD 0.00001.
gnomAD v4.1: 18 of 1,607,802 alleles (0.0011%); highest among the groups gnomAD compares: Non-Finnish European, 0.0015%; no homozygotes.

Submissions (9):

Natera, Inc.
Classification: Pathogenic for Alpha-methylacetoacetic aciduria. Last evaluated: 2025-06-06. Review status: criteria provided, single submitter. Criteria: Natera Variant Classification Schema (03/2026). Collection method: clinical testing. Allele origin: germline.
Comment: The c.826+1G>T variant in ACAT1 is a canonical splice donor site variant predicted to affect pre-mRNA splicing, which may result in an abnormal transcript and altered protein product. This variant may result in a truncated or dysfunctional protein product. This variant is rare in the general population with a frequency below the threshold expected for the associated phenotype(s). This variant has been observed in one or more individuals affected with the associated recessive disease, as either homozygous or compound heterozygous with a second variant (PMID: 15128923, 28689740, 28255778). Functional studies show that this variant may disrupt protein function (PMID: 15128923). Given the available evidence, this variant is classified as Pathogenic.

Labcorp Genetics (formerly Invitae), Labcorp
Classification: Pathogenic for Deficiency of acetyl-CoA acetyltransferase. Last evaluated: 2023-01-21. Review status: criteria provided, single submitter. Criteria: Invitae Variant Classification Sherloc (09022015). Collection method: clinical testing. Allele origin: germline.
Comment: For these reasons, this variant has been classified as Pathogenic. Studies have shown that disruption of this splice site results in skipping of exon 8, but is expected to preserve the integrity of the reading-frame (PMID: 1346617). ClinVar contains an entry for this variant (Variation ID: 166650). This variant is also known as IVS8+1g>t. Disruption of this splice site has been observed in individual(s) with beta-ketothiolase deficiency (PMID: 1346617, 15128923; Invitae). This variant is present in population databases (rs727503796, gnomAD 0.002%). This sequence change affects a donor splice site in intron 8 of the ACAT1 gene. RNA analysis indicates that disruption of this splice site induces altered splicing and likely results in a shortened protein product.

Baylor Genetics
Classification: Pathogenic for Deficiency of acetyl-CoA acetyltransferase. Last evaluated: 2022-05-13. Review status: criteria provided, single submitter. Criteria: ACMG Guidelines, 2015. Collection method: clinical testing. Allele origin: unknown.

Department of Human Genetics, Hannover Medical School
Classification: Pathogenic for Deficiency of acetyl-CoA acetyltransferase. Last evaluated: 2022-02-18. Review status: criteria provided, single submitter. Criteria: ACMG Guidelines, 2015. Collection method: clinical testing. Allele origin: germline. Inheritance: Autosomal recessive inheritance. Affected: yes.

Fulgent Genetics
Classification: Likely pathogenic for Deficiency of acetyl-CoA acetyltransferase. Last evaluated: 2021-10-01. Review status: criteria provided, single submitter. Criteria: ACMG Guidelines, 2015. Collection method: clinical testing. Allele origin: unknown.

Department of Pediatrics, Gifu University
Classification: Pathogenic for Deficiency of acetyl-CoA acetyltransferase. Last evaluated: 2019-05-05. Review status: criteria provided, single submitter. Criteria: ACMG Guidelines, 2015. Collection method: research. Allele origin: germline. Affected: yes. Observed: 4 variant alleles. Clinical features observed: Ketoacidosis.

Women's Health and Genetics/Laboratory Corporation of America, LabCorp
Classification: Pathogenic for Deficiency of acetyl-CoA acetyltransferase. Last evaluated: 2018-11-01. Review status: criteria provided, single submitter. Criteria: LabCorp Variant Classification Summary - May 2015. Collection method: clinical testing. Allele origin: germline.
Comment: Variant summary: ACAT1 c.826+1G>T is located in a canonical splice-site and is predicted to affect mRNA splicing resulting in a significantly altered protein due to either exon skipping, shortening, or inclusion of intronic material. Several computational tools predict a significant impact on normal splicing: Four predict the variant abolishes a 5' splicing donor site. These predictions are supported by several publications that report experimental evidence showing exon 8 skipping (Fukao_1992) and absent enzyme activity and protein expression (Zhang_2004). The variant allele was found at a frequency of 8.2e-06 in 245060 control chromosomes (gnomAD). The variant, c.826+1G>T, has been reported in the literature in individuals affected with Mitochondrial Acetoacetyl-CoA Thiolase Deficiency as both a homozygous and compound heterozygous allele (Fukao_1992, Grunert_2017, Zhang_2004). These data indicate that the variant is likely to be associated with disease. One clinical diagnostic laboratory has submitted clinical-significance assessments for this variant to ClinVar after 2014 without evidence for independent evaluation and classified the variant as pathogenic. Based on the evidence outlined above, the variant was classified as pathogenic.

Eurofins Ntd Llc (ga)
Classification: Pathogenic. Last evaluated: 2013-12-16. Review status: criteria provided, single submitter. Criteria: EGL Classification Definitions. Collection method: clinical testing. Allele origin: germline. Observed: 1 variant allele, 1 heterozygote.

OMIM
Classification: Pathogenic for 3-KETOTHIOLASE DEFICIENCY. Last evaluated: 1992-02-01. Review status: no assertion criteria provided. Collection method: literature only. Allele origin: germline. Not counted in ClinVar's aggregate classification.

Literature cited by the submitters: PubMed 15128923 (cited by 3 submitters); PubMed 28689740 (cited by Natera, Inc. and Women's Health and Genetics/Laboratory Corporation of America, LabCorp); PubMed 28255778 (cited by Natera, Inc.); PubMed 1346617 (cited by 3 submitters); PubMed 31268215 (cited by Department of Pediatrics, Gifu University); PubMed 20046049 (cited by Women's Health and Genetics/Laboratory Corporation of America, LabCorp); PubMed 20156697 (cited by Women's Health and Genetics/Laboratory Corporation of America, LabCorp).

NM_000019.4(ACAT1):c.826+1G>T

Gene: ACAT1 (acetyl-CoA acetyltransferase 1; plus strand). Cytogenetic location: 11q22.3.
Variant type: single nucleotide variant.
Coding change: c.826+1G>T on transcript NM_000019.4 (MANE Select); the canonical splice donor site of the intron after coding-DNA position 826, G replaced by T.
Molecular consequence: splice donor variant.
Genome position (GRCh38, 1-based): chr11:108,141,701, G>T. VCF-style: chr11-108141701-G-T. GRCh37 (hg19) VCF-style: chr11-108012428-G-T.
Other names: IVS8, G-T, +1; c.556+1G>T (NM_001386687.1, NM_001386688.1, NM_001386690.1 and 6 more transcripts); c.826+1G>T (NM_001386677.1); c.529+1G>T (NM_001386679.1); c.511+1G>T (NM_001386678.1).
Identifiers: ClinVar variation 166650 (VCV000166650.19), dbSNP rs727503796, ClinGen allele CA233439.